The following is an entry in ClinVar:

NM_001278116.2(L1CAM):c.76+4A>T

Gene: L1CAM (L1 cell adhesion molecule; minus strand). Cytogenetic location: Xq28.
Variant type: single nucleotide variant.
Coding change: c.76+4A>T on transcript NM_001278116.2 (MANE Select); 4 bases into the intron after coding-DNA position 76, A replaced by T.
Molecular consequence: intron variant.
Genome position (GRCh38, 1-based): chrX:153,875,757, T>A on the plus strand (A>T on the coding strand, the complement: L1CAM is on the minus strand). VCF-style: chrX-153875757-T-A. GRCh37 (hg19) VCF-style: chrX-153141212-T-A.
Other names: c.76+4A>T (NM_001143963.2, NM_024003.3, NM_000425.5).
Identifiers: ClinVar variation 1302446 (VCV001302446.2), dbSNP rs2148502509, ClinGen allele CA2573055148.

ClinVar aggregate classification (germline): Uncertain significance (1 of 4 stars; one submission).

Submission:

GeneDx
Classification: Uncertain significance. Last evaluated: 2021-10-27. Review status: criteria provided, single submitter. Criteria: GeneDx Variant Classification Process June 2021. Collection method: clinical testing. Allele origin: germline. Affected: yes.
Comment: Not observed at significant frequency in large population cohorts (Lek et al., 2016); In silico analysis supports a deleterious effect on splicing; Has not been previously published as pathogenic or benign to our knowledge